The following is an entry in ClinVar:

NM_198578.4(LRRK2):c.819G>T (p.Leu273Phe)

Gene: LRRK2 (leucine rich repeat kinase 2; plus strand). Cytogenetic location: 12q12.
Variant type: single nucleotide variant.
Coding change: c.819G>T on transcript NM_198578.4 (MANE Select); coding-DNA position 819, G replaced by T.
Protein change: p.Leu273Phe; replaces leucine 273 with phenylalanine.
Molecular consequence: missense variant.
Genome position (GRCh38, 1-based): chr12:40,243,662, G>T. VCF-style: chr12-40243662-G-T. GRCh37 (hg19) VCF-style: chr12-40637464-G-T.
Other names: short protein forms L273F.
Identifiers: ClinVar variation 1762398 (VCV001762398.7), dbSNP rs780446993, ClinGen allele CA6513195.
Genomic context (GRCh38, chr12:40,243,662, plus strand): 5'-GGTGGAAGCTATGAAAGCATTCCCTATGAGTGAAAGAATTCAAGAAGTGAGTTGCTGTTT[G>T]CTCCATAGGCTTACATTAGGTGAGTTTCTTAGTTAATATGTCATCACACACTGTATGATA-3'
Protein context (NP_940980.4, residues 263-283): SERIQEVSCC[Leu273Phe]LHRLTLGNFF

ClinVar aggregate classification (germline): Uncertain significance. Review status: criteria provided, multiple submitters, no conflicts (2 of 4 stars). 2 submissions from 2 submitters: Uncertain significance (2). Last evaluated 2022-06-01.

Conditions:
Inborn genetic diseases. Identifiers: MedGen C0950123, MeSH D030342.
Autosomal dominant Parkinson disease 8. Also called: LRRK2-Related Parkinson Disease; Parkinson disease 8; Parkinson disease 8, susceptibility to. Identifiers: Orphanet 411602, MedGen C1846862, MONDO:0011764, OMIM 607060.

Allele frequency attached by ClinVar (database versions not stated): gnomAD exomes below 0.00001; ExAC 0.00001.
gnomAD v4.1: 2 of 1,611,636 alleles (0.00012%); highest among the groups gnomAD compares: Admixed American, 0.0017%; no homozygotes.

Submissions (2):

Ambry Genetics
Classification: Uncertain significance for Inborn genetic diseases. Last evaluated: 2022-06-01. Review status: criteria provided, single submitter. Criteria: Ambry Variant Classification Scheme 2023. Collection method: clinical testing. Allele origin: germline.
Comment: The p.L273F variant (also known as c.819G>T), located in coding exon 7 of the LRRK2 gene, results from a G to T substitution at nucleotide position 819. The leucine at codon 273 is replaced by phenylalanine, an amino acid with highly similar properties. This amino acid position is conserved. In addition, the in silico prediction for this alteration is inconclusive. Since supporting evidence is limited at this time, the clinical significance of this alteration remains unclear.

Labcorp Genetics (formerly Invitae), Labcorp
Classification: Uncertain significance for Autosomal dominant Parkinson disease 8. Last evaluated: 2022-03-08. Review status: criteria provided, single submitter. Criteria: Invitae Variant Classification Sherloc (09022015). Collection method: clinical testing. Allele origin: germline.
Comment: In summary, the available evidence is currently insufficient to determine the role of this variant in disease. Therefore, it has been classified as a Variant of Uncertain Significance. Algorithms developed to predict the effect of missense changes on protein structure and function are either unavailable or do not agree on the potential impact of this missense change (SIFT: "Tolerated"; PolyPhen-2: "Possibly Damaging"; Align-GVGD: "Class C0"). This variant has not been reported in the literature in individuals affected with LRRK2-related conditions. The frequency data for this variant in the population databases is considered unreliable, as metrics indicate poor data quality at this position in the gnomAD database. This sequence change replaces leucine, which is neutral and non-polar, with phenylalanine, which is neutral and non-polar, at codon 273 of the LRRK2 protein (p.Leu273Phe).